The following is an entry in ClinVar:

NM_000368.5(TSC1):c.1851T>C (p.His617=)

Gene: TSC1 (TSC complex subunit 1; minus strand). Cytogenetic location: 9q34.13.
Variant type: single nucleotide variant.
Coding change: c.1851T>C on transcript NM_000368.5 (MANE Select); coding-DNA position 1851, T replaced by C.
Protein change: p.His617=; no amino-acid change (histidine 617 retained).
Molecular consequence: synonymous variant.
Genome position (GRCh38, 1-based): chr9:132,905,727, A>G on the plus strand (T>C on the coding strand, the complement: TSC1 is on the minus strand). VCF-style: chr9-132905727-A-G. GRCh37 (hg19) VCF-style: chr9-135781114-A-G.
Other names: c.1698T>C, p.His566= (NM_001162427.2); c.1488T>C, p.His496= (NM_001362177.2); c.1851T>C (NM_000368.4); c.1848T>C, p.His616= (NM_001162426.2).
Identifiers: ClinVar variation 1595656 (VCV001595656.11), dbSNP rs2131818787, ClinGen allele CA467813127.

ClinVar aggregate classification (germline): Benign/Likely benign. Review status: criteria provided, multiple submitters, no conflicts (2 of 4 stars). 4 submissions from 4 submitters: Benign (1); Likely benign (3). Last evaluated 2025-08-29.

Conditions:
Hereditary cancer-predisposing syndrome. Also called: Hereditary Cancer Syndrome; Tumor predisposition; Neoplastic Syndromes, Hereditary; Hereditary neoplastic syndrome. Identifiers: Orphanet 140162, MedGen C0027672, MeSH D009386, MONDO:0015356.
Tuberous sclerosis syndrome (TSC). Also called: Tuberous Sclerosis Complex; Tuberous sclerosis. Identifiers: Orphanet 805, MedGen C0041341, MONDO:0001734.
Tuberous sclerosis 1 (TSC1). Identifiers: Orphanet 805, MedGen C1854465, MONDO:0008612, OMIM 191100.

Submissions (4):

Ambry Genetics
Classification: Likely benign for Hereditary cancer-predisposing syndrome. Last evaluated: 2025-08-29. Review status: criteria provided, single submitter. Criteria: Ambry Variant Classification Scheme 2023. Collection method: clinical testing. Allele origin: germline.

Myriad Genetics, Inc.
Classification: Benign for Tuberous sclerosis 1. Last evaluated: 2025-04-10. Review status: criteria provided, single submitter. Criteria: Myriad Autosomal Dominant, Autosomal Recessive and X-Linked Classification Criteria (2023). Collection method: clinical testing. Allele origin: unknown.
Comment: This variant is considered benign. This variant is a silent/synonymous amino acid change and it is not expected to impact splicing.

All of Us Research Program, National Institutes of Health
Classification: Likely benign for Tuberous sclerosis syndrome. Last evaluated: 2024-07-20. Review status: criteria provided, single submitter. Criteria: ACMG Guidelines, 2015. Collection method: clinical testing. Allele origin: germline. Inheritance: Autosomal dominant inheritance. Observed: 1 variant allele, 1 heterozygote.
Comment: This study involves interpretation of variants in research participants for the purpose of population health screening. Participant phenotype was not available at the time of variant classification. Additional details can be found in publication PMID: 35346344, PMCID: PMC8962531

Labcorp Genetics (formerly Invitae), Labcorp
Classification: Likely benign for Tuberous sclerosis 1. Last evaluated: 2021-02-16. Review status: criteria provided, single submitter. Criteria: Invitae Variant Classification Sherloc (09022015). Collection method: clinical testing. Allele origin: germline.